The following is an entry in ClinVar:

NM_014444.5(TUBGCP4):c.1258T>C (p.Tyr420His)

Gene: TUBGCP4 (tubulin gamma complex component 4; plus strand). Cytogenetic location: 15q15.3.
Variant type: single nucleotide variant.
Coding change: c.1258T>C on transcript NM_014444.5 (MANE Select); coding-DNA position 1258, T replaced by C.
Protein change: p.Tyr420His; replaces tyrosine 420 with histidine.
Molecular consequence: missense variant.
Genome position (GRCh38, 1-based): chr15:43,397,300, T>C. VCF-style: chr15-43397300-T-C. GRCh37 (hg19) VCF-style: chr15-43689498-T-C.
Other names: c.1258T>C, p.Tyr420His (NM_001286414.3); short protein forms Y420H.
Identifiers: ClinVar variation 1478287 (VCV001478287.6), dbSNP rs2142865117, ClinGen allele CA392132218.

ClinVar aggregate classification (germline): Uncertain significance (1 of 4 stars; one submission).

Submission:

Labcorp Genetics (formerly Invitae), Labcorp
Classification: Uncertain significance. Last evaluated: 2022-07-26. Review status: criteria provided, single submitter. Criteria: Invitae Variant Classification Sherloc (09022015). Collection method: clinical testing. Allele origin: germline.
Comment: In summary, the available evidence is currently insufficient to determine the role of this variant in disease. Therefore, it has been classified as a Variant of Uncertain Significance. Algorithms developed to predict the effect of missense changes on protein structure and function (SIFT, PolyPhen-2, Align-GVGD) all suggest that this variant is likely to be tolerated. ClinVar contains an entry for this variant (Variation ID: 1478287). This variant has not been reported in the literature in individuals affected with TUBGCP4-related conditions. This variant is not present in population databases (gnomAD no frequency). This sequence change replaces tyrosine, which is neutral and polar, with histidine, which is basic and polar, at codon 420 of the TUBGCP4 protein (p.Tyr420His).